The following is an entry in ClinVar:

ClinVar aggregate classification (germline): Conflicting classifications of pathogenicity. Review status: criteria provided, conflicting classifications (1 of 4 stars). 2 submissions from 2 submitters: Likely pathogenic (1); Uncertain significance (1). Last evaluated 2025-01-09.

Conditions:
Treacher Collins syndrome 1 (TCS1). Also called: TCOF1-Related Treacher Collins Syndrome. Identifiers: Orphanet 861, MedGen CN315775, MONDO:0007944, OMIM 154500.

gnomAD v4.1: 4 of 1,613,736 alleles (0.00025%); highest among the groups gnomAD compares: Non-Finnish European, 0.00034%; no homozygotes.

Submissions (2):

Institute of Rare Diseases, West China Hospital, Sichuan University
Classification: Likely pathogenic for Treacher Collins syndrome 1. Last evaluated: 2025-01-09. Review status: criteria provided, single submitter. Criteria: ClinGen HL ACMG Specifications v1. Collection method: research. Allele origin: germline. Affected: yes.
Comment: PVS1;PM2_Supporting

CeGaT Center for Human Genetics Tuebingen
Classification: Uncertain significance. Last evaluated: 2022-07-01. Review status: criteria provided, single submitter. Criteria: CeGaT Center For Human Genetics Tuebingen Variant Classification Criteria Version 2. Collection method: clinical testing. Allele origin: germline. Affected: yes. Observed: 2 variant alleles.

NM_001371623.1(TCOF1):c.2859+1G>A

Gene: TCOF1 (treacle ribosome biogenesis factor 1; plus strand). Cytogenetic location: 5q32.
Variant type: single nucleotide variant.
Coding change: c.2859+1G>A on transcript NM_001371623.1 (MANE Select); the canonical splice donor site of the intron after coding-DNA position 2859, G replaced by A.
Molecular consequence: splice donor variant.
Genome position (GRCh38, 1-based): chr5:150,379,733, G>A. VCF-style: chr5-150379733-G-A. GRCh37 (hg19) VCF-style: chr5-149759296-G-A.
Other names: c.2859+1G>A (NM_001135243.2, NM_001135244.2, NM_001195141.2 and 2 more transcripts); c.2628+1G>A (NM_001135245.2, NM_000356.4).
Identifiers: ClinVar variation 1701490 (VCV001701490.32), dbSNP rs760036030, ClinGen allele CA361759816.